The following is an entry in ClinVar:

ClinVar aggregate classification (germline): Uncertain significance (1 of 4 stars; one submission).

Conditions:
Inborn genetic diseases. Identifiers: MedGen C0950123, MeSH D030342.

Allele frequency attached by ClinVar (database versions not stated): gnomAD exomes below 0.00001.
gnomAD v4.1: 1 of 1,612,734 alleles (0.000062%); highest among the groups gnomAD compares: African/African-American, 0.0013%; no homozygotes.

Submission:

Ambry Genetics
Classification: Uncertain significance for Inborn genetic diseases. Last evaluated: 2024-03-09. Review status: criteria provided, single submitter. Criteria: Ambry Variant Classification Scheme 2023. Collection method: clinical testing. Allele origin: germline.
Comment: The p.F511S variant (also known as c.1532T>C), located in coding exon 13 of the LRRK2 gene, results from a T to C substitution at nucleotide position 1532. The phenylalanine at codon 511 is replaced by serine, an amino acid with highly dissimilar properties. This amino acid position is conserved. In addition, this alteration is predicted to be deleterious by in silico analysis. Based on the available evidence, the clinical significance of this alteration remains unclear.

NM_198578.4(LRRK2):c.1532T>C (p.Phe511Ser)

Gene: LRRK2 (leucine rich repeat kinase 2; plus strand). Cytogenetic location: 12q12.
Variant type: single nucleotide variant.
Coding change: c.1532T>C on transcript NM_198578.4 (MANE Select); coding-DNA position 1532, T replaced by C.
Protein change: p.Phe511Ser; replaces phenylalanine 511 with serine.
Molecular consequence: missense variant.
Genome position (GRCh38, 1-based): chr12:40,259,593, T>C. VCF-style: chr12-40259593-T-C. GRCh37 (hg19) VCF-style: chr12-40653395-T-C.
Other names: short protein forms F511S.
Identifiers: ClinVar variation 3229518 (VCV003229518.1), dbSNP rs1327063867, ClinGen allele CA384411764.